The following is an entry in ClinVar:

NM_015570.4(AUTS2):c.338G>A (p.Arg113His)

Gene: AUTS2 (activator of transcription and developmental regulator AUTS2; plus strand). Cytogenetic location: 7q11.22.
Variant type: single nucleotide variant.
Coding change: c.338G>A on transcript NM_015570.4 (MANE Select); coding-DNA position 338, G replaced by A.
Protein change: p.Arg113His; replaces arginine 113 with histidine.
Molecular consequence: missense variant.
Genome position (GRCh38, 1-based): chr7:69,899,314, G>A. VCF-style: chr7-69899314-G-A. GRCh37 (hg19) VCF-style: chr7-69364300-G-A.
Other names: c.338G>A, p.Arg113His (NM_001127231.3, NM_001127232.3); short protein forms R113H.
Identifiers: ClinVar variation 2857947 (VCV002857947.3), dbSNP rs777840526, ClinGen allele CA4280283.

ClinVar aggregate classification (germline): Uncertain significance (1 of 4 stars; one submission).

Allele frequency attached by ClinVar (database versions not stated): TOPMed 0.00001; ExAC 0.00003; gnomAD 0.00003.
gnomAD v4.1: 15 of 1,613,714 alleles (0.00093%); highest among the groups gnomAD compares: Admixed American, 0.005%; no homozygotes.

Submission:

Labcorp Genetics (formerly Invitae), Labcorp
Classification: Uncertain significance. Last evaluated: 2023-04-16. Review status: criteria provided, single submitter. Criteria: Invitae Variant Classification Sherloc (09022015). Collection method: clinical testing. Allele origin: germline.
Comment: This variant is present in population databases (rs777840526, gnomAD 0.007%). In summary, the available evidence is currently insufficient to determine the role of this variant in disease. Therefore, it has been classified as a Variant of Uncertain Significance. An algorithm developed to predict the effect of missense changes on protein structure and function (PolyPhen-2) suggests that this variant is likely to be disruptive. This variant has not been reported in the literature in individuals affected with AUTS2-related conditions. This sequence change replaces arginine, which is basic and polar, with histidine, which is basic and polar, at codon 113 of the AUTS2 protein (p.Arg113His).